The following is an entry in ClinVar:

ClinVar aggregate classification (germline): Uncertain significance (1 of 4 stars; one submission).

Conditions:
NCOA1-related disorder. Also called: NCOA1-related condition.

gnomAD v4.1: 28 of 1,613,860 alleles (0.0017%); highest among the groups gnomAD compares: Non-Finnish European, 0.0024%; no homozygotes.

Submission:

PreventionGenetics, part of Exact Sciences
Classification: Uncertain significance for NCOA1-related condition. Last evaluated: 2026-08-27. Review status: criteria provided, single submitter. Criteria: ACMG Guidelines, 2015. Collection method: clinical testing. Allele origin: germline.
Comment: The NCOA1 c.3265A>G variant is predicted to result in the amino acid substitution p.Asn1089Asp. To our knowledge, this variant has not been reported in the literature. This variant is reported in 0.0054% of alleles in individuals of European (Non-Finnish) descent in gnomAD. At this time, the clinical significance of this variant is uncertain due to the absence of conclusive functional and genetic evidence.

NM_003743.5(NCOA1):c.3265A>G (p.Asn1089Asp)

Gene: NCOA1 (nuclear receptor coactivator 1; plus strand). Cytogenetic location: 2p23.3.
Variant type: single nucleotide variant.
Coding change: c.3265A>G on transcript NM_003743.5 (MANE Select); coding-DNA position 3265, A replaced by G.
Protein change: p.Asn1089Asp; replaces asparagine 1089 with aspartic acid.
Molecular consequence: missense variant.
Genome position (GRCh38, 1-based): chr2:24,739,495, A>G. VCF-style: chr2-24739495-A-G. GRCh37 (hg19) VCF-style: chr2-24962364-A-G.
Other names: c.3265A>G, p.Asn1089Asp (NM_001362950.1, NM_001362952.1, NM_001362954.1 and 3 more transcripts); short protein forms N1089D.
Identifiers: ClinVar variation 4984333 (VCV004984333.1).